The following is an entry in ClinVar:

ClinVar aggregate classification (germline): Benign/Likely benign. Review status: criteria provided, multiple submitters, no conflicts (2 of 4 stars). 8 submissions from 8 submitters: Benign (2); Likely benign (6). Last evaluated 2025-12-22.

Conditions:
Inborn genetic diseases. Identifiers: MedGen C0950123, MeSH D030342.

Allele frequency attached by ClinVar (database versions not stated): 1000 Genomes Project 30x 0.00219; ESP Exome Variant Server 0.00231; gnomAD exomes 0.00018 and 0.00051; ExAC 0.00062; gnomAD 0.00168 and 0.00185; 1000 Genomes Project 0.00200; TOPMed 0.00210.
gnomAD v4.1: 515 of 1,614,106 alleles (0.032%); highest among the groups gnomAD compares: African/African-American, 0.62%; 3 homozygotes.

Submissions (8):

Labcorp Genetics (formerly Invitae), Labcorp
Classification: Likely benign. Last evaluated: 2025-12-22. Review status: criteria provided, single submitter. Criteria: Invitae Variant Classification Sherloc (09022015). Collection method: clinical testing. Allele origin: germline.

Blueprint Genetics
Classification: Likely benign. Last evaluated: 2024-11-25. Review status: criteria provided, single submitter. Criteria: ACMG Guidelines, 2015. Collection method: clinical testing. Allele origin: germline.

ARUP Laboratories, Molecular Genetics and Genomics, ARUP Laboratories
Classification: Likely benign. Last evaluated: 2024-10-16. Review status: criteria provided, single submitter. Criteria: ARUP Molecular Germline Variant Investigation Process 2024. Collection method: clinical testing. Allele origin: germline.

Athena Diagnostics
Classification: Likely benign. Last evaluated: 2023-12-08. Review status: criteria provided, single submitter. Criteria: Athena Diagnostics Criteria. Collection method: clinical testing. Allele origin: unknown.

CeGaT Center for Human Genetics Tuebingen
Classification: Likely benign. Last evaluated: 2023-04-01. Review status: criteria provided, single submitter. Criteria: CeGaT Center For Human Genetics Tuebingen Variant Classification Criteria Version 2. Collection method: clinical testing. Allele origin: germline. Affected: yes. Observed: 1 variant allele.
Comment: HSPG2: BS2

Ambry Genetics
Classification: Likely benign for Inborn genetic diseases. Last evaluated: 2022-02-18. Review status: criteria provided, single submitter. Criteria: Ambry Variant Classification Scheme 2023. Collection method: clinical testing. Allele origin: germline.

GeneDx
Classification: Benign. Last evaluated: 2021-02-09. Review status: criteria provided, single submitter. Criteria: GeneDx Variant Classification Process June 2021. Collection method: clinical testing. Allele origin: germline. Affected: yes.

Eurofins Ntd Llc (ga)
Classification: Benign. Last evaluated: 2015-02-10. Review status: criteria provided, single submitter. Criteria: EGL Classification Definitions 2015. Collection method: clinical testing. Allele origin: germline. Observed: 1 variant allele, 1 heterozygote.

NM_005529.7(HSPG2):c.2326G>A (p.Val776Met)

Gene: HSPG2 (heparan sulfate proteoglycan 2; minus strand). Cytogenetic location: 1p36.12.
Variant type: single nucleotide variant.
Coding change: c.2326G>A on transcript NM_005529.7 (MANE Select); coding-DNA position 2326, G replaced by A.
Protein change: p.Val776Met; replaces valine 776 with methionine.
Molecular consequence: missense variant.
Genome position (GRCh38, 1-based): chr1:21,880,124, C>T on the plus strand (G>A on the coding strand, the complement: HSPG2 is on the minus strand). VCF-style: chr1-21880124-C-T. GRCh37 (hg19) VCF-style: chr1-22206617-C-T.
Other names: c.2329G>A, p.Val777Met (NM_001291860.2); short protein forms V776M, V777M.
Identifiers: ClinVar variation 194746 (VCV000194746.43), dbSNP rs145476116, ClinGen allele CA201340.